The following is an entry in ClinVar:

NM_001792.5(CDH2):c.1019A>G (p.Glu340Gly)

Gene: CDH2 (cadherin 2; minus strand). Cytogenetic location: 18q12.1.
Variant type: single nucleotide variant.
Coding change: c.1019A>G on transcript NM_001792.5 (MANE Select); coding-DNA position 1019, A replaced by G.
Protein change: p.Glu340Gly; replaces glutamic acid 340 with glycine.
Molecular consequence: missense variant.
Genome position (GRCh38, 1-based): chr18:28,002,998, T>C on the plus strand (A>G on the coding strand, the complement: CDH2 is on the minus strand). VCF-style: chr18-28002998-T-C. GRCh37 (hg19) VCF-style: chr18-25582962-T-C.
Other names: c.926A>G, p.Glu309Gly (NM_001308176.2); short protein forms E309G, E340G.
Identifiers: ClinVar variation 2577701 (VCV002577701.1), dbSNP rs2012813153, ClinGen allele CA402242667.

ClinVar aggregate classification (germline): Uncertain significance (1 of 4 stars; one submission).

Allele frequency attached by ClinVar (database versions not stated): TOPMed below 0.00001.

Submission:

GeneDx
Classification: Uncertain significance. Last evaluated: 2023-02-22. Review status: criteria provided, single submitter. Criteria: GeneDx Variant Classification Process June 2021. Collection method: clinical testing. Allele origin: germline. Affected: yes.
Comment: Not observed at significant frequency in large population cohorts (gnomAD); In silico analysis supports that this missense variant has a deleterious effect on protein structure/function; Has not been previously published as pathogenic or benign to our knowledge